The following is an entry in ClinVar:

NM_001458.5(FLNC):c.1059C>G (p.Leu353=)

Gene: FLNC (filamin C; plus strand). Cytogenetic location: 7q32.1.
Variant type: single nucleotide variant.
Coding change: c.1059C>G on transcript NM_001458.5 (MANE Select); coding-DNA position 1059, C replaced by G.
Protein change: p.Leu353=; no amino-acid change (leucine 353 retained).
Molecular consequence: synonymous variant.
Genome position (GRCh38, 1-based): chr7:128,838,278, C>G. VCF-style: chr7-128838278-C-G. GRCh37 (hg19) VCF-style: chr7-128478332-C-G.
Other names: c.1059C>G, p.Leu353= (NM_001127487.2); c.1059C>G (NM_001458.4).
Identifiers: ClinVar variation 1157573 (VCV001157573.33), dbSNP rs760418462, ClinGen allele CA166214831.
Genomic context (GRCh38, chr7:128,838,278, plus strand): 5'-CTCAGGACTGCTCTCCCCTAGAAGCTAACCTTTGACCTCTGACCCCTAGGTGACCGTGCT[C>G]TTTGCTGGCCAGAACATTGAACGCAGTCCCTTTGAGGTGAACGTGGGCATGGCCCTGGGA-3'
Protein context (NP_001449.3, residues 343-363): KVAGLHKVTV[Leu353=]FAGQNIERSP

ClinVar aggregate classification (germline): Likely benign. Review status: criteria provided, multiple submitters, no conflicts (2 of 4 stars). 3 submissions from 3 submitters: Likely benign (3). Last evaluated 2025-10-29.

Conditions:
Cardiovascular phenotype. Identifiers: MedGen CN230736.
Myofibrillar myopathy 5. Also called: Filaminopathy (type); FILAMINOPATHY, AUTOSOMAL DOMINANT. Identifiers: Orphanet 171445, MedGen C1836050, MONDO:0012289, OMIM 609524.
Hypertrophic cardiomyopathy 26. Also called: Cardiomyopathy, familial hypertrophic, 26. Identifiers: Orphanet 75249, MedGen C4310749, MONDO:0014883, OMIM 617047.
Distal myopathy with posterior leg and anterior hand involvement. Also called: WILLIAMS DISTAL MYOPATHY. Identifiers: Orphanet 63273, MedGen C3279722, MONDO:0013550, OMIM 614065.

Allele frequency attached by ClinVar (database versions not stated): gnomAD 0.00001; TOPMed 0.00001.
gnomAD v4.1: 13 of 1,613,950 alleles (0.00081%); highest among the groups gnomAD compares: East Asian, 0.0022%; no homozygotes.

Submissions (3):

Ambry Genetics
Classification: Likely benign for Cardiovascular phenotype. Last evaluated: 2025-10-29. Review status: criteria provided, single submitter. Criteria: Ambry Variant Classification Scheme 2023. Collection method: clinical testing. Allele origin: germline.

Labcorp Genetics (formerly Invitae), Labcorp
Classification: Likely benign for Distal myopathy with posterior leg and anterior hand involvement; Myofibrillar myopathy 5; Hypertrophic cardiomyopathy 26. Last evaluated: 2024-08-12. Review status: criteria provided, single submitter. Criteria: Invitae Variant Classification Sherloc (09022015). Collection method: clinical testing. Allele origin: germline.

CeGaT Center for Human Genetics Tuebingen
Classification: Likely benign. Last evaluated: 2022-08-01. Review status: criteria provided, single submitter. Criteria: CeGaT Center For Human Genetics Tuebingen Variant Classification Criteria Version 2. Collection method: clinical testing. Allele origin: germline. Affected: yes. Observed: 1 variant allele.
Comment: FLNC: BP4, BP7